The following is an entry in ClinVar:

NM_000092.5(COL4A4):c.847C>A (p.Leu283Met)

Gene: COL4A4 (collagen type IV alpha 4 chain; minus strand). Cytogenetic location: 2q36.3.
Variant type: single nucleotide variant.
Coding change: c.847C>A on transcript NM_000092.5 (MANE Select); coding-DNA position 847, C replaced by A.
Protein change: p.Leu283Met; replaces leucine 283 with methionine.
Molecular consequence: missense variant.
Genome position (GRCh38, 1-based): chr2:227,103,167, G>T on the plus strand (C>A on the coding strand, the complement: COL4A4 is on the minus strand). VCF-style: chr2-227103167-G-T. GRCh37 (hg19) VCF-style: chr2-227967883-G-T.
Other names: short protein forms L283M.
Identifiers: ClinVar variation 989514 (VCV000989514.2), dbSNP rs2060622187, ClinGen allele CA350857647.
Genomic context (GRCh38, chr2:227,103,167, plus strand): 5'-CACAAATGAAAAAAAAAAAGGTACTTAAATAAACTACCTTGCGTCCTGGTGGTCCTGGCA[G>T]TCCAACCATTCCAGGAATTCCTTTTATACCCTAAAAATTACAATGAATATAATTTGGTCT-3'
Protein context (NP_000083.3, residues 273-293): GIKGIPGMVG[Leu283Met]PGPPGRKGES

ClinVar aggregate classification (germline): Uncertain significance. Review status: criteria provided, single submitter (1 of 4 stars). 2 submissions from 2 submitters: Uncertain significance (1). 1 of the submissions does not count toward it. Last evaluated 2024-08-13.

Conditions:
Alport syndrome. Also called: Hemorrhagic familial nephritis; Hemorrhagic hereditary nephritis; Congenital hereditary hematuria. Identifiers: Orphanet 63, MedGen C1567741, MONDO:0018965.

Allele frequency attached by ClinVar (database versions not stated): gnomAD exomes below 0.00001.
gnomAD v4.1: 1 of 1,612,732 alleles (0.000062%); highest among the groups gnomAD compares: South Asian, 0.0011%; no homozygotes.

Submissions (2):

Women's Health and Genetics/Laboratory Corporation of America, LabCorp
Classification: Uncertain significance. Last evaluated: 2024-08-13. Review status: criteria provided, single submitter. Criteria: LabCorp Variant Classification Summary - May 2015. Collection method: clinical testing. Allele origin: germline.
Comment: Variant summary: COL4A4 c.847C>A (p.Leu283Met) results in a conservative amino acid change in the encoded protein sequence. Five of five in-silico tools predict a benign effect of the variant on protein function. The variant was absent in 248922 control chromosomes. The available data on variant occurrences in the general population are insufficient to allow any conclusion about variant significance. To our knowledge, no occurrence of c.847C>A in individuals affected with Alport Syndrome, Autosomal Recessive and no experimental evidence demonstrating its impact on protein function have been reported. ClinVar contains an entry for this variant (Variation ID: 989514). Based on the evidence outlined above, the variant was classified as uncertain significance.

Natera, Inc.
Classification: Uncertain significance for Alport syndrome. Last evaluated: 2020-08-13. Review status: no assertion criteria provided. Collection method: clinical testing. Allele origin: germline. Not counted in ClinVar's aggregate classification.